The following is an entry in ClinVar:

ClinVar aggregate classification (germline): Pathogenic (1 of 4 stars; one submission).

Conditions:
Cortical dysplasia-focal epilepsy syndrome (PTHSL1). Also called: Pitt-Hopkins-like syndrome 1. Identifiers: Orphanet 163681, Orphanet 221150, MedGen C2750246, MONDO:0012400, OMIM 610042.

Submission:

Labcorp Genetics (formerly Invitae), Labcorp
Classification: Pathogenic for Cortical dysplasia-focal epilepsy syndrome. Last evaluated: 2019-09-23. Review status: criteria provided, single submitter. Criteria: Invitae Variant Classification Sherloc (09022015). Collection method: clinical testing. Allele origin: germline.
Comment: A gross deletion of the genomic region encompassing the full coding sequence of the CNTNAP2 gene has been identified. The boundaries of this event are unknown as the deletion extends beyond the assayed region for this gene and therefore may encompass additional genes. This variant has not been reported in the literature in individuals with CNTNAP2-related conditions. Loss-of-function variants in CNTNAP2 are known to be pathogenic (PMID: 19896112, 21827697, 25045150, 26843181, 27439707). For these reasons, this variant has been classified as Pathogenic.

NC_000007.14:g.(?_146116001)_(148847318_?)del

Genes: EZH2 (enhancer of zeste 2 polycomb repressive complex 2 subunit; minus strand), CNTNAP2 (contactin associated protein 2; plus strand), CUL1 (cullin 1; plus strand), C7orf33 (chromosome 7 open reading frame 33; plus strand). Cytogenetic location: 7q35-36.1.
Variant type: Deletion.
Identifiers: ClinVar variation 833114 (VCV000833114.1).